The following continues an entry in ClinVar:

NM_001256317.3(TMPRSS3):c.325C>T (p.Arg109Trp)

Gene: TMPRSS3. ClinVar aggregate classification (germline): Pathogenic/Likely pathogenic. Pathogenic (17); Likely pathogenic (1).

Submissions 11 to 18 of 18:

Victorian Clinical Genetics Services, Murdoch Childrens Research Institute
Classification: Pathogenic for Autosomal recessive nonsyndromic hearing loss 8. Last evaluated: 2023-07-17. Review status: criteria provided, single submitter. Criteria: ACMG Guidelines, 2015. Collection method: clinical testing. Allele origin: germline. Inheritance: Autosomal recessive inheritance.
Comment: Based on the classification scheme VCGS_Germline_v1.3.4, this variant is classified as Pathogenic. Following criteria are met: 0102 - Loss of function is a known mechanism of disease in this gene and is associated with autosomal recessive deafness 8/10 (MIM#601072). (I) 0106 - This gene is associated with autosomal recessive disease. (I) 0200 - Variant is predicted to result in a missense amino acid change from arginine to tryptophan. (I) 0252 - This variant is homozygous. (I) 0304 - Variant is present in gnomAD <0.01 for a recessive condition (v2 & v3: 47 heterozygotes, 0 homozygotes). (SP) 0309 - An alternative amino acid change at the same position has been observed in gnomAD (v2 & v3: 42 heterozygotes, 0 homozygotes). (I) 0501 - Missense variant consistently predicted to be damaging by multiple in silico tools or highly conserved with a major amino acid change. (SP) 0604 - Variant is not located in an established domain, motif, hotspot or informative constraint region. (I) 0801 - This variant has very strong previous evidence of pathogenicity in unrelated individuals. It has been detected in multiple families with hearing loss (PMID: 34868270) and regarded as pathogenic by diagnostic laboratories in ClinVar. (I) Legend: (SP) - Supporting pathogenic, (I) - Information, (SB) - Supporting benign

Department of Pathology and Laboratory Medicine, Sinai Health System
Classification: Pathogenic for Autosomal recessive nonsyndromic hearing loss 8. Last evaluated: 2023-02-01. Review status: criteria provided, single submitter. Criteria: ACMG Guidelines, 2015. Collection method: research. Allele origin: germline.

Knight Diagnostic Laboratories, Oregon Health and Sciences University
Classification: Pathogenic. Last evaluated: 2019-07-03. Review status: criteria provided, single submitter. Criteria: ACMG Guidelines, 2015. Collection method: clinical testing. Allele origin: germline. Observed: 1 variant allele.

Fulgent Genetics
Classification: Pathogenic. Last evaluated: 2017-05-18. Review status: criteria provided, single submitter. Criteria: ACMG Guidelines, 2015. Collection method: clinical testing. Allele origin: unknown.

Eurofins Ntd Llc (ga)
Classification: Pathogenic. Last evaluated: 2014-08-05. Review status: criteria provided, single submitter. Criteria: EGL Classification Definitions 2015. Collection method: clinical testing. Allele origin: germline. Observed: 1 variant allele, 1 heterozygote.

Laboratory for Molecular Medicine, Mass General Brigham Personalized Medicine
Classification: Pathogenic for Rare genetic deafness. Last evaluated: 2013-03-01. Review status: criteria provided, single submitter. Criteria: LMM Criteria. Collection method: clinical testing. Allele origin: germline. Observed: 7 variant alleles.
Comment: The Arg109Trp variant in TMPRSS3 has been reported in one family with hearing lo ss in which the variant segregated with disease (homozygous) in 3 affected and w as heterozygous in 5 unaffected family members, and was absent from 159 controls (318 chromosomes) (Ben-Yosef 2001). Our laboratory has also identified this var iant as a compound heterozygote with other pathogenic mutations in two probands with hearing loss. And finally, two studies have reported that the Arg109Trp var iant leads to a protein product that is only partially active (Guipponi 2002, An dreasen 2006). In summary, this variant meets our criteria to be classified as p athogenic.

3billion
Classification: Pathogenic for Autosomal recessive nonsyndromic hearing loss 8. Review status: criteria provided, single submitter. Criteria: ACMG Guidelines, 2015. Collection method: clinical testing. Allele origin: unknown. Affected: yes. Observed: 1 heterozygote.
Comment: The variant is observed at an extremely low frequency in the gnomAD v2.1.1 dataset (total allele frequency: 0.012%). Functional studies provide strong evidence of the variant having a damaging effect on the gene or gene product (PMID: 12393794, 23958653). In silico tool predictions suggest damaging effect of the variant on gene or gene product (REVEL: 0.77; 3Cnet: 0.47). Same nucleotide change resulting in same amino acid change has been previously reported as pathogenic/likely pathogenic with strong evidence (ClinVar ID: VCV000046114 / PMID: 11424922). The variant has been reported to be in trans with a pathogenic variant as either compound heterozygous or homozygous in at least one similarly affected unrelated individual (PMID: 11424922, 28566687). A different missense change at the same codon (p.Arg109Gln) has been reported to be associated with TMPRSS3 related disorder (PMID: 24853665). Therefore, this variant is classified as Pathogenic according to the recommendation of ACMG/AMP guideline.

Juno Genomics, Hangzhou Juno Genomics, Inc
Classification: Pathogenic for Autosomal recessive nonsyndromic hearing loss 8. Review status: criteria provided, single submitter. Criteria: ACMG Guidelines, 2015. Collection method: clinical testing. Allele origin: germline.
Comment: Absent from controls (or at extremely low frequency if recessive) in Genome Aggregation Database.;Multiple lines of computational evidence support a deleterious effect on the gene or gene product.;For recessive disorders, detected in trans with a pathogenic variant.;Co-segregation with disease in multiple affected family members.

Literature cited by the submitters: PubMed 12393794 (cited by 4 submitters); PubMed 28246597 (cited by Genetics Research Center, University of Social Welfare and Rehabilitation Sciences); PubMed 16524950 (cited by Genetics Research Center, University of Social Welfare and Rehabilitation Sciences and Laboratory for Molecular Medicine, Mass General Brigham Personalized Medicine); PubMed 29937438 (cited by Genetics Research Center, University of Social Welfare and Rehabilitation Sciences); PubMed 18928407 (cited by Genetics Research Center, University of Social Welfare and Rehabilitation Sciences); PubMed 29072634 (cited by Genetics Research Center, University of Social Welfare and Rehabilitation Sciences); PubMed 24526180 (cited by Genetics Research Center, University of Social Welfare and Rehabilitation Sciences and Dasa); PubMed 31589614 (cited by Genetics Research Center, University of Social Welfare and Rehabilitation Sciences); PubMed 32860223 (cited by Genetics Research Center, University of Social Welfare and Rehabilitation Sciences and Variantyx, Inc.); PubMed 34426522 (cited by Genetics Research Center, University of Social Welfare and Rehabilitation Sciences); PubMed 34519870 (cited by Genetics Research Center, University of Social Welfare and Rehabilitation Sciences and Variantyx, Inc.); PubMed 34868270 (cited by Genetics Research Center, University of Social Welfare and Rehabilitation Sciences and Victorian Clinical Genetics Services, Murdoch Childrens Research Institute); PubMed 36871673 (cited by Genetics Research Center, University of Social Welfare and Rehabilitation Sciences); PubMed 23958653 (cited by Genetics Research Center, University of Social Welfare and Rehabilitation Sciences and 3billion); PubMed 35961784 (cited by Genetics Research Center, University of Social Welfare and Rehabilitation Sciences); PubMed 37331337 (cited by Genetics Research Center, University of Social Welfare and Rehabilitation Sciences); PubMed 11424922 (cited by 7 submitters); PubMed 12920079 (cited by 4 submitters); PubMed 28566687 (cited by 4 submitters); PubMed 24853665 (cited by 3 submitters); PubMed 17981648 (cited by Dasa).